The following is an entry in ClinVar:

ClinVar aggregate classification (germline): Uncertain significance. Review status: criteria provided, multiple submitters, no conflicts (2 of 4 stars). 2 submissions from 2 submitters: Uncertain significance (2). Last evaluated 2025-06-25.

Conditions:
Hereditary cancer-predisposing syndrome. Also called: Tumor predisposition; Hereditary neoplastic syndrome; Neoplastic Syndromes, Hereditary; Hereditary Cancer Syndrome. Identifiers: Orphanet 140162, MedGen C0027672, MeSH D009386, MONDO:0015356.
Neuroblastoma, susceptibility to, 3. Also called: ALK-Related Neuroblastic Tumor Susceptibility. Identifiers: Orphanet 635, MedGen C2751681, MONDO:0013083, OMIM 613014.

Allele frequency attached by ClinVar (database versions not stated): gnomAD 0.00001; TOPMed 0.00001.
gnomAD v4.1: 2 of 1,614,020 alleles (0.00012%); highest among the groups gnomAD compares: African/African-American, 0.0013%; no homozygotes.

Submissions (2):

Ambry Genetics
Classification: Uncertain significance for Hereditary cancer-predisposing syndrome. Last evaluated: 2025-06-25. Review status: criteria provided, single submitter. Criteria: Ambry Variant Classification Scheme 2023. Collection method: clinical testing. Allele origin: germline.
Comment: The p.G1585C variant (also known as c.4753G>T), located in coding exon 29 of the ALK gene, results from a G to T substitution at nucleotide position 4753. The glycine at codon 1585 is replaced by cysteine, an amino acid with highly dissimilar properties. This amino acid position is highly conserved in available vertebrate species. In addition, the in silico prediction for this alteration is inconclusive. Based on the available evidence, the clinical significance of this variant remains unclear.

Labcorp Genetics (formerly Invitae), Labcorp
Classification: Uncertain significance for Neuroblastoma, susceptibility to, 3. Last evaluated: 2023-04-11. Review status: criteria provided, single submitter. Criteria: Invitae Variant Classification Sherloc (09022015). Collection method: clinical testing. Allele origin: germline.
Comment: This sequence change replaces glycine, which is neutral and non-polar, with cysteine, which is neutral and slightly polar, at codon 1585 of the ALK protein (p.Gly1585Cys). In summary, the available evidence is currently insufficient to determine the role of this variant in disease. Therefore, it has been classified as a Variant of Uncertain Significance. An algorithm developed to predict the effect of missense changes on protein structure and function (PolyPhen-2) suggests that this variant is likely to be disruptive. ClinVar contains an entry for this variant (Variation ID: 1525065). This variant has not been reported in the literature in individuals affected with ALK-related conditions. This variant is not present in population databases (gnomAD no frequency).

NM_004304.5(ALK):c.4753G>T (p.Gly1585Cys)

Gene: ALK (ALK receptor tyrosine kinase; minus strand). Cytogenetic location: 2p23.2.
Variant type: single nucleotide variant.
Coding change: c.4753G>T on transcript NM_004304.5 (MANE Select); coding-DNA position 4753, G replaced by T.
Protein change: p.Gly1585Cys; replaces glycine 1585 with cysteine.
Molecular consequence: missense variant.
Genome position (GRCh38, 1-based): chr2:29,193,334, C>A on the plus strand (G>T on the coding strand, the complement: ALK is on the minus strand). VCF-style: chr2-29193334-C-A. GRCh37 (hg19) VCF-style: chr2-29416200-C-A.
Other names: c.1549G>T, p.Gly517Cys (NM_001353765.2); short protein forms G1585C, G517C.
Identifiers: ClinVar variation 1525065 (VCV001525065.9), dbSNP rs1573077410, ClinGen allele CA346460318.